The following is an entry in ClinVar:

NM_152564.5(VPS13B):c.8448T>C (p.Ile2816=)

Gene: VPS13B (vacuolar protein sorting 13 homolog B; plus strand). Cytogenetic location: 8q22.2.
Variant type: single nucleotide variant.
Coding change: c.8448T>C on transcript NM_152564.5 (MANE Select); coding-DNA position 8448, T replaced by C.
Protein change: p.Ile2816=; no amino-acid change (isoleucine 2816 retained).
Molecular consequence: synonymous variant.
Genome position (GRCh38, 1-based): chr8:99,818,715, T>C. VCF-style: chr8-99818715-T-C. GRCh37 (hg19) VCF-style: chr8-100830943-T-C.
Other names: c.8448T>C (NM_152564.4); c.8523T>C, p.Ile2841= (NM_017890.5).
Identifiers: ClinVar variation 703757 (VCV000703757.17), dbSNP rs763701016, ClinGen allele CA4824480.
Genomic context (GRCh38, chr8:99,818,715, plus strand): 5'-AGCTGGAATACTGCAACAAAGCAAATATGAAAGTTGTTCTATCCTTTTATTTTTATAGAT[T>C]GTGTTCAGCCCTCTTTTTATCATGAGGAGTCATCTTCCAGACCCCATTATCATACATTTG-3'
Protein context (NP_689777.3, residues 2806-2826): EPNSQVQQRM[Ile2816=]VFSPLFIMRS

ClinVar aggregate classification (germline): Likely benign. Review status: criteria provided, multiple submitters, no conflicts (2 of 4 stars). 5 submissions from 5 submitters: Likely benign (3). 2 of the submissions do not count toward it. Last evaluated 2026-01-26.

Conditions:
VPS13B-related disorder. Also called: VPS13B-related condition.
Cohen syndrome (COH1). Also called: PEPPER SYNDROME; Cutis verticis gyrata, retinitis pigmentosa, and sensorineural deafness. Identifiers: Orphanet 193, MedGen C0265223, MONDO:0008999, OMIM 216550.

Allele frequency attached by ClinVar (database versions not stated): gnomAD exomes 0.00001 and 0.00005; ExAC 0.00002; gnomAD 0.00003; TOPMed 0.00006.
gnomAD v4.1: 22 of 1,613,696 alleles (0.0014%); highest among the groups gnomAD compares: Admixed American, 0.035%; no homozygotes.

Submissions (5):

Labcorp Genetics (formerly Invitae), Labcorp
Classification: Likely benign for Cohen syndrome. Last evaluated: 2026-01-26. Review status: criteria provided, single submitter. Criteria: Invitae Variant Classification Sherloc (09022015). Collection method: clinical testing. Allele origin: germline.

Blueprint Genetics
Classification: Likely benign. Last evaluated: 2022-09-30. Review status: criteria provided, single submitter. Criteria: ACMG Guidelines, 2015. Collection method: clinical testing. Allele origin: germline.

Breakthrough Genomics
Classification: Likely benign. Review status: criteria provided, single submitter. Criteria: ACMG Guidelines, 2015. Collection method: not provided. Allele origin: germline. Inheritance: Autosomal recessive inheritance. Affected: yes.

PreventionGenetics, part of Exact Sciences
Classification: Likely benign for VPS13B-related condition. Last evaluated: 2021-12-29. Review status: no assertion criteria provided. Collection method: clinical testing. Allele origin: germline. Not counted in ClinVar's aggregate classification.
Comment: This variant is classified as likely benign based on ACMG/AMP sequence variant interpretation guidelines (Richards et al. 2015 PMID: 25741868, with internal and published modifications).

Natera, Inc.
Classification: Uncertain significance for Cohen syndrome. Last evaluated: 2020-01-24. Review status: no assertion criteria provided. Collection method: clinical testing. Allele origin: germline. Not counted in ClinVar's aggregate classification.